The following is an entry in ClinVar:

ClinVar aggregate classification (germline): Uncertain significance (1 of 4 stars; one submission).

Submission:

Ambry Genetics
Classification: Uncertain significance. Last evaluated: 2025-03-18. Review status: criteria provided, single submitter. Criteria: Ambry Variant Classification Scheme 2023. Collection method: clinical testing. Allele origin: germline.
Comment: The p.G5D variant (also known as c.14G>A), located in coding exon 1 of the SRP72 gene, results from a G to A substitution at nucleotide position 14. The glycine at codon 5 is replaced by aspartic acid, an amino acid with similar properties. This amino acid position is conserved. In addition, this alteration is predicted to be tolerated by in silico analysis. Based on the available evidence, the clinical significance of this variant remains unclear.

NM_006947.4(SRP72):c.14G>A (p.Gly5Asp)

Genes: SRP72 (signal recognition particle 72; plus strand), LOC129992625 (ATAC-STARR-seq lymphoblastoid active region 21580; plus strand). Cytogenetic location: 4q12.
Variant type: single nucleotide variant.
Coding change: c.14G>A on transcript NM_006947.4 (MANE Select); coding-DNA position 14, G replaced by A.
Protein change: p.Gly5Asp; replaces glycine 5 with aspartic acid.
Molecular consequence: missense variant. On other transcripts: non-coding transcript variant (1).
Genome position (GRCh38, 1-based): chr4:56,467,649, G>A. VCF-style: chr4-56467649-G-A. GRCh37 (hg19) VCF-style: chr4-57333815-G-A.
Other names: c.14G>A, p.Gly5Asp (NM_001267722.2); short protein forms G5D.
Identifiers: ClinVar variation 3962027 (VCV003962027.1).